The following is an entry in ClinVar:

ClinVar aggregate classification (germline): Likely pathogenic (1 of 4 stars; one submission).

Conditions:
Cohen syndrome (COH1). Also called: PEPPER SYNDROME; Cutis verticis gyrata, retinitis pigmentosa, and sensorineural deafness. Identifiers: Orphanet 193, MedGen C0265223, MONDO:0008999, OMIM 216550.

gnomAD v4.1: 1 of 1,610,450 alleles (0.000062%); no homozygotes.

Submission:

3billion
Classification: Likely pathogenic for Cohen syndrome. Last evaluated: 2023-08-28. Review status: criteria provided, single submitter. Criteria: ACMG Guidelines, 2015. Collection method: clinical testing. Allele origin: germline. Affected: yes.
Comment: The variant is observed at an extremely low frequency in the gnomAD v2.1.1 dataset (total allele frequency: 0.000%). Predicted Consequence/Location: Canonical splice site: predicted to alter splicing and result in a loss or disruption of normal protein function. Multiple pathogenic loss-of-function variants are reported downstream of the variant. Therefore, this variant is classified as Likely pathogenic according to the recommendation of ACMG/AMP guideline.

NM_152564.5(VPS13B):c.4633+1G>T

Gene: VPS13B (vacuolar protein sorting 13 homolog B; plus strand). Cytogenetic location: 8q22.2.
Variant type: single nucleotide variant.
Coding change: c.4633+1G>T on transcript NM_152564.5 (MANE Select); the canonical splice donor site of the intron after coding-DNA position 4633, G replaced by T.
Molecular consequence: splice donor variant.
Genome position (GRCh38, 1-based): chr8:99,511,513, G>T. VCF-style: chr8-99511513-G-T. GRCh37 (hg19) VCF-style: chr8-100523741-G-T.
Other names: c.4708+1G>T (NM_017890.5).
Identifiers: ClinVar variation 3776072 (VCV003776072.1).
Genomic context (GRCh38, chr8:99,511,513, plus strand): 5'-ACACAAGTGTAATCAGAATTTTTATTCCAAAAACAGAAGAAATGCAGCCAACTGTTGAAG[G>T]TATTGTCTTCTGATTTTTTTTGTCTGATTTTAAATAATTTTCTTCTAGAGACCTTAGTTT-3'